The following is an entry in ClinVar:

ClinVar aggregate classification (germline): Pathogenic. Review status: criteria provided, multiple submitters, no conflicts (2 of 4 stars). 2 submissions from 2 submitters: Pathogenic (2). Last evaluated 2023-05-17.

Conditions:
Oligodontia-cancer predisposition syndrome. Also called: TOOTH AGENESIS-COLORECTAL CANCER SYNDROME. Identifiers: Orphanet 300576, MedGen C1837750, MONDO:0012075, OMIM 608615. Disease mechanism: loss of function.

Submissions (2):

Myriad Genetics, Inc.
Classification: Pathogenic for Oligodontia-cancer predisposition syndrome. Last evaluated: 2023-05-17. Review status: criteria provided, single submitter. Criteria: Myriad Autosomal Dominant, Autosomal Recessive and X-Linked Classification Criteria (2023). Collection method: clinical testing. Allele origin: unknown.
Comment: This variant is considered pathogenic. This variant creates a termination codon and is predicted to result in premature protein truncation.

Labcorp Genetics (formerly Invitae), Labcorp
Classification: Pathogenic for Oligodontia-cancer predisposition syndrome. Last evaluated: 2023-01-10. Review status: criteria provided, single submitter. Criteria: Invitae Variant Classification Sherloc (09022015). Collection method: clinical testing. Allele origin: germline.
Comment: This variant has not been reported in the literature in individuals affected with AXIN2-related conditions. This variant is not present in population databases (gnomAD no frequency). This sequence change creates a premature translational stop signal (p.Arg129*) in the AXIN2 gene. It is expected to result in an absent or disrupted protein product. Loss-of-function variants in AXIN2 are known to be pathogenic (PMID: 15042511, 21416598). For these reasons, this variant has been classified as Pathogenic.

Literature cited by the submitters: PubMed 15042511 (cited by Labcorp Genetics (formerly Invitae), Labcorp); PubMed 21416598 (cited by Labcorp Genetics (formerly Invitae), Labcorp).

NM_004655.4(AXIN2):c.385C>T (p.Arg129Ter)

Gene: AXIN2 (axin 2; minus strand). Cytogenetic location: 17q24.1.
Variant type: single nucleotide variant.
Coding change: c.385C>T on transcript NM_004655.4 (MANE Select); coding-DNA position 385, C replaced by T.
Protein change: p.Arg129Ter; replaces arginine 129 with a stop codon.
Molecular consequence: nonsense.
Genome position (GRCh38, 1-based): chr17:65,558,236, G>A on the plus strand (C>T on the coding strand, the complement: AXIN2 is on the minus strand). VCF-style: chr17-65558236-G-A. GRCh37 (hg19) VCF-style: chr17-63554354-G-A.
Other names: c.385C>T, p.Arg129Ter (NM_001363813.1); short protein forms R129*.
Identifiers: ClinVar variation 2583441 (VCV002583441.5), dbSNP rs2544251507, ClinGen allele CA400681506.